The following is an entry in ClinVar:

ClinVar aggregate classification (germline): Uncertain significance (1 of 4 stars; one submission).

Allele frequency attached by ClinVar (database versions not stated): gnomAD exomes below 0.00001; gnomAD 0.00001; TOPMed 0.00001.
gnomAD v4.1: 3 of 1,613,882 alleles (0.00019%); highest among the groups gnomAD compares: South Asian, 0.0022%; no homozygotes.

Submission:

GeneDx
Classification: Uncertain significance. Last evaluated: 2022-09-20. Review status: criteria provided, single submitter. Criteria: GeneDx Variant Classification Process June 2021. Collection method: clinical testing. Allele origin: germline. Affected: yes.
Comment: Not observed at significant frequency in large population cohorts (gnomAD); In silico analysis supports that this missense variant does not alter protein structure/function; Has not been previously published as pathogenic or benign to our knowledge

NM_005121.3(MED13):c.2618G>A (p.Ser873Asn)

Gene: MED13 (mediator complex subunit 13; minus strand). Cytogenetic location: 17q23.2.
Variant type: single nucleotide variant.
Coding change: c.2618G>A on transcript NM_005121.3 (MANE Select); coding-DNA position 2618, G replaced by A.
Protein change: p.Ser873Asn; replaces serine 873 with asparagine.
Molecular consequence: missense variant.
Genome position (GRCh38, 1-based): chr17:61,984,724, C>T on the plus strand (G>A on the coding strand, the complement: MED13 is on the minus strand). VCF-style: chr17-61984724-C-T. GRCh37 (hg19) VCF-style: chr17-60062085-C-T.
Other names: short protein forms S873N.
Identifiers: ClinVar variation 1313882 (VCV001313882.3), dbSNP rs2080233421, ClinGen allele CA400509403.